The following is an entry in ClinVar:

NC_000011.10:g.5225365C>G

Genes: HBB (hemoglobin subunit beta; minus strand), LOC107133510 (origin of replication at HBB; plus strand), LOC110006319 (beta-globin gene 3' regulatory region; plus strand). Cytogenetic location: 11p15.4.
Variant type: single nucleotide variant.
Genome position: GRCh38 VCF-style: chr11-5225365-C-G. GRCh37 (hg19) VCF-style: chr11-5246595-C-G.
Other names: 3' UTR +101 G>C.
Identifiers: ClinVar variation 256341 (VCV000256341.32), dbSNP rs12788013, ClinGen allele CA10587125.

ClinVar aggregate classification (germline): Benign. Review status: criteria provided, multiple submitters, no conflicts (2 of 4 stars). 7 submissions from 7 submitters: Benign (6). 1 of the submissions does not count toward it. Last evaluated 2026-02-04.

Conditions:
beta Thalassemia (BTHAL). Also called: Cooley's anemia; Erythroblastic anemia; Mediterranean anemia. Identifiers: Orphanet 848, MedGen C0005283, MONDO:0019402. Disease mechanism: loss of function.

Allele frequency attached by ClinVar (database versions not stated): gnomAD 0.10602 and 0.10429; gnomAD exomes 0.11775; 1000 Genomes Project 30x 0.10009; TOPMed 0.09425; 1000 Genomes Project 0.09924.

Submissions (7):

Labcorp Genetics (formerly Invitae), Labcorp
Classification: Benign. Last evaluated: 2026-02-04. Review status: criteria provided, single submitter. Criteria: Invitae Variant Classification Sherloc (09022015). Collection method: clinical testing. Allele origin: germline.

ARUP Laboratories, Molecular Genetics and Genomics, ARUP Laboratories
Classification: Benign. Last evaluated: 2025-07-29. Review status: criteria provided, single submitter. Criteria: ARUP Molecular Germline Variant Investigation Process 2024. Collection method: clinical testing. Allele origin: germline.

Genetics Laboratory, Al-Manara University for Medical Sciences
Classification: Benign for beta Thalassemia. Last evaluated: 2024-05-24. Review status: criteria provided, single submitter. Criteria: ACMG Guidelines, 2015. Collection method: research. Allele origin: germline.
Comment: The HBB:c.*233G>C (3'UTR +101G>C) variant is located in the HBB gene. (NM_000518.5)`1 is a downstream transcript variant. This variant meets criteria to be classified as benign for beta thalassemia in ClinVar (Accession: SCV001891785.1, SCV000304626.1, SCV001000945.7, SCV001158584.7, SCV005323379.1).

GeneDx
Classification: Benign. Last evaluated: 2018-11-12. Review status: criteria provided, single submitter. Criteria: GeneDx Variant Classification Process June 2021. Collection method: clinical testing. Allele origin: germline. Affected: yes.
Comment: This variant is associated with the following publications: (PMID: 26524961, 27884173, 23321370)

Breakthrough Genomics
Classification: Benign. Review status: criteria provided, single submitter. Criteria: ACMG Guidelines, 2015. Collection method: not provided. Allele origin: germline. Inheritance: Autosomal recessive inheritance. Affected: yes.

PreventionGenetics, part of Exact Sciences
Classification: Benign. Review status: criteria provided, single submitter. Criteria: ACMG Guidelines, 2015. Collection method: clinical testing. Allele origin: germline.

The ITHANET community portal, The Cyprus Institute of Neurology and Genetics
Classification: Pathogenic for beta Thalassemia. Last evaluated: 2019-11-25. Review status: no assertion criteria provided. Collection method: curation. Allele origin: germline. Not counted in ClinVar's aggregate classification.

Literature cited by the submitters: PubMed 26524961 (cited by Genetics Laboratory, Al-Manara University for Medical Sciences and The ITHANET community portal, The Cyprus Institute of Neurology and Genetics); PubMed 23321370 (cited by Genetics Laboratory, Al-Manara University for Medical Sciences and The ITHANET community portal, The Cyprus Institute of Neurology and Genetics).